The following is an entry in ClinVar:

ClinVar aggregate classification (germline): Benign/Likely benign. Review status: criteria provided, multiple submitters, no conflicts (2 of 4 stars). 11 submissions from 11 submitters: Benign (7); Likely benign (4). Last evaluated 2026-07-01.

Conditions:
Inborn genetic diseases. Identifiers: MedGen C0950123, MeSH D030342.
CHARGE syndrome (CHARGE). Also called: Coloboma, heart anomaly, choanal atresia, retardation, genital and ear anomalies; CHARGE association; Hall-Hittner syndrome; CHARGE ASSOCIATION--COLOBOMA, HEART ANOMALY, CHOANAL ATRESIA, RETARDATION, GENITAL AND EAR ANOMALIES; Hittner Hirsch Kreh syndrome. Identifiers: Orphanet 138, MedGen C0265354, MONDO:0008965.
Hypogonadotropic hypogonadism 5 with or without anosmia (KAL5). Also called: HYPOGONADOTROPIC HYPOGONADISM 5 WITH ANOSMIA; HYPOGONADOTROPHIC HYPOGONADISM 5 WITHOUT ANOSMIA; CHD7-Related GnRH Deficiency (Kallmann Syndrome 5). Identifiers: Orphanet 478, MedGen C3552553, MONDO:0012880, OMIM 612370. Disease mechanism: loss of function.

Allele frequency attached by ClinVar (database versions not stated): gnomAD exomes 0.00024 and 0.00063; ExAC 0.00077; 1000 Genomes Project 0.00220; gnomAD 0.00241 and 0.00255; 1000 Genomes Project 30x 0.00250; TOPMed 0.00275; ESP Exome Variant Server 0.00318.
gnomAD v4.1: 728 of 1,613,726 alleles (0.045%); highest among the groups gnomAD compares: African/African-American, 0.81%; 3 homozygotes.

Submissions (11):

CeGaT Center for Human Genetics Tuebingen
Classification: Likely benign. Last evaluated: 2026-07-01. Review status: criteria provided, single submitter. Criteria: CeGaT Center For Human Genetics Tuebingen Variant Classification Criteria Version 2. Collection method: clinical testing. Allele origin: germline. Affected: yes. Observed: 4 variant alleles.
Comment: CHD7: BP4, BP7, BS1

Labcorp Genetics (formerly Invitae), Labcorp
Classification: Benign for CHARGE syndrome. Last evaluated: 2026-02-03. Review status: criteria provided, single submitter. Criteria: Invitae Variant Classification Sherloc (09022015). Collection method: clinical testing. Allele origin: germline.

Blueprint Genetics
Classification: Likely benign. Last evaluated: 2024-11-25. Review status: criteria provided, single submitter. Criteria: ACMG Guidelines, 2015. Collection method: clinical testing. Allele origin: germline.

Fulgent Genetics
Classification: Benign for CHD7-related CHARGE syndrome; Hypogonadotropic hypogonadism 5 with or without anosmia. Last evaluated: 2021-07-30. Review status: criteria provided, single submitter. Criteria: ACMG Guidelines, 2015. Collection method: clinical testing. Allele origin: unknown.

GeneDx
Classification: Benign. Last evaluated: 2020-03-16. Review status: criteria provided, single submitter. Criteria: GeneDx Variant Classification Process June 2021. Collection method: clinical testing. Allele origin: germline. Affected: yes.

Athena Diagnostics
Classification: Benign. Last evaluated: 2018-11-09. Review status: criteria provided, single submitter. Criteria: Athena Diagnostics Criteria. Collection method: clinical testing. Allele origin: germline.

Illumina Laboratory Services, Illumina
Classification: Benign for Kallmann Syndrome 5. Last evaluated: 2018-01-13. Review status: criteria provided, single submitter. Criteria: ICSL Variant Classification Criteria 13 December 2019. Collection method: clinical testing. Allele origin: germline.
Comment: This variant was observed in the ICSL laboratory as part of a predisposition screen in an ostensibly healthy population. It had not been previously curated by ICSL or reported in the Human Gene Mutation Database (HGMD: prior to June 1st, 2018), and was therefore a candidate for classification through an automated scoring system. Utilizing variant allele frequency, disease prevalence and penetrance estimates, and inheritance mode, an automated score was calculated to assess if this variant is too frequent to cause the disease. Based on the score and internal cut-off values, a variant classified as benign is not then subjected to further curation. The score for this variant resulted in a classification of benign for this disease.

ARUP Laboratories, Molecular Genetics and Genomics, ARUP Laboratories
Classification: Benign. Last evaluated: 2017-07-12. Review status: criteria provided, single submitter. Criteria: ARUP Molecular Germline Variant Investigation Process. Collection method: clinical testing. Allele origin: germline.

Ambry Genetics
Classification: Likely benign for Inborn genetic diseases. Last evaluated: 2016-11-01. Review status: criteria provided, single submitter. Criteria: Ambry Variant Classification Scheme 2023. Collection method: clinical testing. Allele origin: germline.

Eurofins Ntd Llc (ga)
Classification: Benign. Last evaluated: 2014-10-28. Review status: criteria provided, single submitter. Criteria: EGL Classification Definitions 2015. Collection method: clinical testing. Allele origin: germline. Observed: 2 variant alleles, 2 heterozygotes.

Breakthrough Genomics
Classification: Likely benign. Review status: criteria provided, single submitter. Criteria: ACMG Guidelines, 2015. Collection method: not provided. Allele origin: germline. Inheritance: Autosomal dominant inheritance. Affected: yes.

NM_017780.4(CHD7):c.7209G>A (p.Arg2403=)

Gene: CHD7 (chromodomain helicase DNA binding protein 7; plus strand). Cytogenetic location: 8q12.2.
Variant type: single nucleotide variant.
Coding change: c.7209G>A on transcript NM_017780.4 (MANE Select); coding-DNA position 7209, G replaced by A.
Protein change: p.Arg2403=; no amino-acid change (arginine 2403 retained).
Molecular consequence: synonymous variant. On other transcripts: intron variant (1).
Genome position (GRCh38, 1-based): chr8:60,856,489, G>A. VCF-style: chr8-60856489-G-A. GRCh37 (hg19) VCF-style: chr8-61769048-G-A.
Other names: c.7209G>A (LRG_176t1); c.1717-5740G>A (NM_001316690.1).
Identifiers: ClinVar variation 196915 (VCV000196915.55), dbSNP rs61746518, ClinGen allele CA202635.